The following is an entry in ClinVar:

ClinVar aggregate classification (germline): Uncertain significance (1 of 4 stars; one submission).

Submission:

GeneDx
Classification: Uncertain significance. Last evaluated: 2022-01-20. Review status: criteria provided, single submitter. Criteria: GeneDx Variant Classification Process June 2021. Collection method: clinical testing. Allele origin: germline. Affected: yes.
Comment: Not observed at significant frequency in large population cohorts (gnomAD); In silico analysis supports that this missense variant does not alter protein structure/function; Has not been previously published as pathogenic or benign to our knowledge

NM_015001.3(SPEN):c.6861T>G (p.Asn2287Lys)

Gene: SPEN (spen family transcriptional repressor; plus strand). Cytogenetic location: 1p36.13.
Variant type: single nucleotide variant.
Coding change: c.6861T>G on transcript NM_015001.3 (MANE Select); coding-DNA position 6861, T replaced by G.
Protein change: p.Asn2287Lys; replaces asparagine 2287 with lysine.
Molecular consequence: missense variant.
Genome position (GRCh38, 1-based): chr1:15,933,101, T>G. VCF-style: chr1-15933101-T-G. GRCh37 (hg19) VCF-style: chr1-16259596-T-G.
Other names: short protein forms N2287K.
Identifiers: ClinVar variation 1698053 (VCV001698053.2), dbSNP rs2148741480, ClinGen allele CA338638069.